The following is an entry in ClinVar:

NM_001387850.1(FILIP1L):c.640C>G (p.Gln214Glu)

Genes: CMSS1 (cms1 ribosomal small subunit homolog; plus strand), FILIP1L (filamin A interacting protein 1 like; minus strand), LOC105374010 (uncharacterized LOC105374010; plus strand). Cytogenetic location: 3q12.1.
Variant type: single nucleotide variant.
Coding change: c.640C>G on transcript NM_001387850.1 (MANE Select); coding-DNA position 640, C replaced by G.
Protein change: p.Gln214Glu; replaces glutamine 214 with glutamic acid.
Molecular consequence: missense variant. On other transcripts: 5 prime UTR variant (5), intron variant (2).
Genome position (GRCh38, 1-based): chr3:99,851,036, G>C on the plus strand (C>G on the coding strand, the complement: FILIP1L is on the minus strand). VCF-style: chr3-99851036-G-C. GRCh37 (hg19) VCF-style: chr3-99569880-G-C.
Other names: c.640C>G, p.Gln214Glu (NM_001042459.3, NM_182909.4); c.-128C>G (NM_001282793.2); c.-81C>G (NM_001282794.2, NM_001370247.1, NM_001387851.1 and 1 more transcripts); c.64+32993G>C (NM_032359.4); c.606-20431C>G (NM_001387852.1); short protein forms Q214E.
Identifiers: ClinVar variation 3039184 (VCV003039184.2), dbSNP rs141449044, ClinGen allele CA2513722.

ClinVar aggregate classification (germline): Benign (0 of 4 stars; one submission).

Conditions:
FILIP1L-related disorder. Also called: FILIP1L-related condition.

Allele frequency attached by ClinVar (database versions not stated): ExAC 0.00133; ESP Exome Variant Server 0.00428; 1000 Genomes Project 30x 0.00453; gnomAD 0.00458; 1000 Genomes Project 0.00479; TOPMed 0.00550.
gnomAD v4.1: 1,346 of 1,600,692 alleles (0.084%); highest among the groups gnomAD compares: African/African-American, 1.6%; 11 homozygotes.

Submission:

PreventionGenetics, part of Exact Sciences
Classification: Benign for FILIP1L-related condition. Last evaluated: 2019-10-28. Review status: no assertion criteria provided. Collection method: clinical testing. Allele origin: germline.
Comment: This variant is classified as benign based on ACMG/AMP sequence variant interpretation guidelines (Richards et al. 2015 PMID: 25741868, with internal and published modifications).